The following is an entry in ClinVar:

NM_001385012.1(NBEA):c.5521+6G>A

Gene: NBEA (neurobeachin; plus strand). Cytogenetic location: 13q13.3.
Variant type: single nucleotide variant.
Coding change: c.5521+6G>A on transcript NM_001385012.1 (MANE Select); 6 bases into the intron after coding-DNA position 5521, G replaced by A.
Molecular consequence: intron variant.
Genome position (GRCh38, 1-based): chr13:35,208,860, G>A. VCF-style: chr13-35208860-G-A. GRCh37 (hg19) VCF-style: chr13-35782997-G-A.
Other names: c.5521+6G>A (NM_015678.5); c.5512+6G>A (NM_001379245.1).
Identifiers: ClinVar variation 4084290 (VCV004084290.9).

ClinVar aggregate classification (germline): Likely benign. Review status: criteria provided, multiple submitters, no conflicts (2 of 4 stars). 2 submissions from 2 submitters: Likely benign (2). Last evaluated 2025-06-01.

gnomAD v4.1: 67 of 1,521,748 alleles (0.0044%); highest among the groups gnomAD compares: Non-Finnish European, 0.0043%; no homozygotes.

Submissions (2):

CeGaT Center for Human Genetics Tuebingen
Classification: Likely benign. Last evaluated: 2025-06-01. Review status: criteria provided, single submitter. Criteria: CeGaT Center For Human Genetics Tuebingen Variant Classification Criteria Version 2. Collection method: clinical testing. Allele origin: germline. Affected: yes. Observed: 1 variant allele.
Comment: NBEA: BP4

Blueprint Genetics
Classification: Likely benign. Last evaluated: 2022-04-29. Review status: criteria provided, single submitter. Criteria: ACMG Guidelines, 2015. Collection method: clinical testing. Allele origin: germline.